The following is an entry in ClinVar:

ClinVar aggregate classification (germline): Uncertain significance (1 of 4 stars; one submission).

Conditions:
Peutz-Jeghers syndrome (PJS). Also called: POLYPOSIS, HAMARTOMATOUS INTESTINAL; POLYPS-AND-SPOTS SYNDROME; Peutz-Jeghers polyposis; Periorificial lentiginosis syndrome. Identifiers: Orphanet 2869, MedGen C0031269, MeSH D010580, MONDO:0008280, OMIM 175200.

Submission:

Labcorp Genetics (formerly Invitae), Labcorp
Classification: Uncertain significance for Peutz-Jeghers syndrome. Last evaluated: 2018-08-15. Review status: criteria provided, single submitter. Criteria: Invitae Variant Classification Sherloc (09022015). Collection method: clinical testing. Allele origin: germline.
Comment: This sequence change replaces asparagine with histidine at codon 109 of the STK11 protein (p.Asn109His). The asparagine residue is highly conserved and there is a small physicochemical difference between asparagine and histidine. This variant is not present in population databases (ExAC no frequency). This variant has not been reported in the literature in individuals with STK11-related disease. Algorithms developed to predict the effect of missense changes on protein structure and function are either unavailable or do not agree on the potential impact of this missense change (SIFT: "Tolerated"; PolyPhen-2: "Probably Damaging"; Align-GVGD: "Class C0"). In summary, the available evidence is currently insufficient to determine the role of this variant in disease. Therefore, it has been classified as a Variant of Uncertain Significance.

NM_000455.5(STK11):c.325A>C (p.Asn109His)

Gene: STK11 (serine/threonine kinase 11; plus strand). Cytogenetic location: 19p13.3.
Variant type: single nucleotide variant.
Coding change: c.325A>C on transcript NM_000455.5 (MANE Select); coding-DNA position 325, A replaced by C.
Protein change: p.Asn109His; replaces asparagine 109 with histidine.
Molecular consequence: missense variant.
Genome position (GRCh38, 1-based): chr19:1,218,451, A>C. VCF-style: chr19-1218451-A-C. GRCh37 (hg19) VCF-style: chr19-1218450-A-C.
Other names: short protein forms N109H.
Identifiers: ClinVar variation 663916 (VCV000663916.8), dbSNP rs1599924587, ClinGen allele CA402947723.